The following is an entry in ClinVar:

NM_181507.2(HPS5):c.1528C>T (p.Pro510Ser)

Gene: HPS5 (HPS5 biogenesis of lysosomal organelles complex 2 subunit 2; minus strand). Cytogenetic location: 11p15.1.
Variant type: single nucleotide variant.
Coding change: c.1528C>T on transcript NM_181507.2 (MANE Select); coding-DNA position 1528, C replaced by T.
Protein change: p.Pro510Ser; replaces proline 510 with serine.
Molecular consequence: missense variant.
Genome position (GRCh38, 1-based): chr11:18,296,105, G>A on the plus strand (C>T on the coding strand, the complement: HPS5 is on the minus strand). VCF-style: chr11-18296105-G-A. GRCh37 (hg19) VCF-style: chr11-18317652-G-A.
Other names: c.1186C>T, p.Pro396Ser (NM_007216.4, NM_181508.2); short protein forms P396S, P510S.
Identifiers: ClinVar variation 1946205 (VCV001946205.2), dbSNP rs1323633617, ClinGen allele CA379494316.

ClinVar aggregate classification (germline): Uncertain significance (1 of 4 stars; one submission).

gnomAD v4.1: 8 of 1,613,218 alleles (0.0005%); highest among the groups gnomAD compares: East Asian, 0.0022%; no homozygotes.

Submission:

Labcorp Genetics (formerly Invitae), Labcorp
Classification: Uncertain significance. Last evaluated: 2022-06-22. Review status: criteria provided, single submitter. Criteria: Invitae Variant Classification Sherloc (09022015). Collection method: clinical testing. Allele origin: germline.
Comment: This sequence change replaces proline, which is neutral and non-polar, with serine, which is neutral and polar, at codon 510 of the HPS5 protein (p.Pro510Ser). This variant is present in population databases (no rsID available, gnomAD 0.003%). This variant has not been reported in the literature in individuals affected with HPS5-related conditions. Algorithms developed to predict the effect of missense changes on protein structure and function output the following: SIFT: "Tolerated"; PolyPhen-2: "Benign"; Align-GVGD: "Class C0". The serine amino acid residue is found in multiple mammalian species, which suggests that this missense change does not adversely affect protein function. In summary, the available evidence is currently insufficient to determine the role of this variant in disease. Therefore, it has been classified as a Variant of Uncertain Significance.